The following is an entry in ClinVar:

NM_001844.5(COL2A1):c.4073A>G (p.His1358Arg)

Gene: COL2A1 (collagen type II alpha 1 chain; minus strand). Cytogenetic location: 12q13.11.
Variant type: single nucleotide variant.
Coding change: c.4073A>G on transcript NM_001844.5 (MANE Select); coding-DNA position 4073, A replaced by G.
Protein change: p.His1358Arg; replaces histidine 1358 with arginine.
Molecular consequence: missense variant.
Genome position (GRCh38, 1-based): chr12:47,974,676, T>C on the plus strand (A>G on the coding strand, the complement: COL2A1 is on the minus strand). VCF-style: chr12-47974676-T-C. GRCh37 (hg19) VCF-style: chr12-48368459-T-C.
Other names: c.4073A>G (NM_001844.4); c.3866A>G, p.His1289Arg (NM_033150.3); short protein forms H1289R, H1358R.
Identifiers: ClinVar variation 1910236 (VCV001910236.7), dbSNP rs749485192, ClinGen allele CA6534571.

ClinVar aggregate classification (germline): Uncertain significance. Review status: criteria provided, multiple submitters, no conflicts (2 of 4 stars). 2 submissions from 2 submitters: Uncertain significance (2). Last evaluated 2026-09-15.

Allele frequency attached by ClinVar (database versions not stated): gnomAD exomes 0.00001; ExAC 0.00002; gnomAD 0.00004; TOPMed 0.00006.
gnomAD v4.1: 11 of 1,614,052 alleles (0.00068%); highest among the groups gnomAD compares: Admixed American, 0.018%; no homozygotes.

Submissions (2):

GeneDx
Classification: Uncertain significance. Last evaluated: 2026-09-15. Review status: criteria provided, single submitter. Criteria: GeneDx Variant Classification Process June 2021. Collection method: clinical testing. Allele origin: germline.
Comment: In silico analysis suggests that this missense variant does not alter protein structure/function; Has not been previously published as pathogenic or benign to our knowledge; Not located in the triple helical region, where the majority of pathogenic missense variants occur (HGMD)

Labcorp Genetics (formerly Invitae), Labcorp
Classification: Uncertain significance. Last evaluated: 2025-01-30. Review status: criteria provided, single submitter. Criteria: Invitae Variant Classification Sherloc (09022015). Collection method: clinical testing. Allele origin: germline.
Comment: This sequence change replaces histidine, which is basic and polar, with arginine, which is basic and polar, at codon 1358 of the COL2A1 protein (p.His1358Arg). This variant is present in population databases (rs749485192, gnomAD 0.01%). This variant has not been reported in the literature in individuals affected with COL2A1-related conditions. ClinVar contains an entry for this variant (Variation ID: 1910236). Experimental studies and prediction algorithms are not available or were not evaluated, and the functional significance of this variant is currently unknown. In summary, the available evidence is currently insufficient to determine the role of this variant in disease. Therefore, it has been classified as a Variant of Uncertain Significance.